The following is an entry in ClinVar:

NM_001099274.3(TINF2):c.1221+5G>A

Gene: TINF2 (TERF1 interacting nuclear factor 2; minus strand). Cytogenetic location: 14q12.
Variant type: single nucleotide variant.
Coding change: c.1221+5G>A on transcript NM_001099274.3 (MANE Select); 5 bases into the intron after coding-DNA position 1221, G replaced by A.
Molecular consequence: intron variant. On other transcripts: 3 prime UTR variant (1).
Genome position (GRCh38, 1-based): chr14:24,240,059, C>T on the plus strand (G>A on the coding strand, the complement: TINF2 is on the minus strand). VCF-style: chr14-24240059-C-T. GRCh37 (hg19) VCF-style: chr14-24709265-C-T.
Other names: c.*356G>A (NM_012461.3); c.1116+5G>A (NM_001363668.2).
Identifiers: ClinVar variation 3347217 (VCV003347217.3).

ClinVar aggregate classification (germline): Uncertain significance. Review status: criteria provided, single submitter (1 of 4 stars). 2 submissions from 2 submitters: Uncertain significance (1). 1 of the submissions does not count toward it. Last evaluated 2024-03-30.

Conditions:
TINF2-related disorder. Also called: TINF2-related condition.
Dyskeratosis congenita. Identifiers: Orphanet 1775, MedGen C0265965, MONDO:0015780.

Submissions (2):

Labcorp Genetics (formerly Invitae), Labcorp
Classification: Uncertain significance for Dyskeratosis congenita. Last evaluated: 2024-03-30. Review status: criteria provided, single submitter. Criteria: Invitae Variant Classification Sherloc (09022015). Collection method: clinical testing. Allele origin: germline.
Comment: This sequence change falls in intron 8 of the TINF2 gene. It does not directly change the encoded amino acid sequence of the TINF2 protein. It affects a nucleotide within the consensus splice site. This variant is present in population databases (no rsID available, gnomAD 0.0009%). This variant has not been reported in the literature in individuals affected with TINF2-related conditions. Variants that disrupt the consensus splice site are a relatively common cause of aberrant splicing (PMID: 17576681, 9536098). Algorithms developed to predict the effect of sequence changes on RNA splicing suggest that this variant may disrupt the consensus splice site. In summary, the available evidence is currently insufficient to determine the role of this variant in disease. Therefore, it has been classified as a Variant of Uncertain Significance.

PreventionGenetics, part of Exact Sciences
Classification: Uncertain significance for TINF2-related condition. Last evaluated: 2024-05-22. Review status: no assertion criteria provided. Collection method: clinical testing. Allele origin: germline. Not counted in ClinVar's aggregate classification.
Comment: The TINF2 c.1221+5G>A variant is predicted to interfere with splicing. This variant is predicted to alter splicing based on available splicing prediction programs (SpliceAI, Jaganathan et al. 2019. PubMed ID: 30661751). However, such computer prediction programs are imperfect. To our knowledge, this variant has not been reported in the literature. This variant is reported in 0.00088% of alleles in individuals of European (Non-Finnish) descent in gnomAD. At this time, the clinical significance of this variant is uncertain due to the absence of conclusive functional and genetic evidence.

Literature cited by the submitters: PubMed 17576681 (cited by Labcorp Genetics (formerly Invitae), Labcorp); PubMed 9536098 (cited by Labcorp Genetics (formerly Invitae), Labcorp).